The following is an entry in ClinVar:

ClinVar aggregate classification (germline): Uncertain significance (1 of 4 stars; one submission).

Submission:

GeneDx
Classification: Uncertain significance. Last evaluated: 2024-03-06. Review status: criteria provided, single submitter. Criteria: GeneDx Variant Classification Process June 2021. Collection method: clinical testing. Allele origin: germline. Affected: yes.
Comment: Not observed at significant frequency in large population cohorts (gnomAD); In silico analysis supports that this missense variant has a deleterious effect on protein structure/function; Has not been previously published as pathogenic or benign to our knowledge

NM_001080477.4(TENM3):c.383C>T (p.Pro128Leu)

Gene: TENM3 (teneurin transmembrane protein 3; plus strand). Cytogenetic location: 4q35.1.
Variant type: single nucleotide variant.
Coding change: c.383C>T on transcript NM_001080477.4 (MANE Select); coding-DNA position 383, C replaced by T.
Protein change: p.Pro128Leu; replaces proline 128 with leucine.
Molecular consequence: missense variant. On other transcripts: intron variant (4).
Genome position (GRCh38, 1-based): chr4:182,346,801, C>T. VCF-style: chr4-182346801-C-T. GRCh37 (hg19) VCF-style: chr4-183267954-C-T.
Other names: c.383C>T, p.Pro128Leu (NM_001415968.1, NM_001415969.1, NM_001415970.1 and 4 more transcripts); c.232+22549C>T (NM_001415976.1, NM_001415967.1, NM_001415977.1 and 1 more transcripts); short protein forms P128L.
Identifiers: ClinVar variation 3370540 (VCV003370540.1).